The following is an entry in ClinVar:

ClinVar aggregate classification (germline): Uncertain significance (1 of 4 stars; one submission).

Submission:

Labcorp Genetics (formerly Invitae), Labcorp
Classification: Uncertain significance. Last evaluated: 2025-12-28. Review status: criteria provided, single submitter. Criteria: Invitae Variant Classification Sherloc (09022015). Collection method: clinical testing. Allele origin: germline.
Comment: This sequence change replaces proline, which is neutral and non-polar, with leucine, which is neutral and non-polar, at codon 49 of the PSMB4 protein (p.Pro49Leu). This variant is not present in population databases (gnomAD no frequency). This variant has not been reported in the literature in individuals affected with PSMB4-related conditions. An algorithm developed to predict the effect of missense changes on protein structure and function (PolyPhen-2) suggests that this variant is likely to be disruptive. In summary, the available evidence is currently insufficient to determine the role of this variant in disease. Therefore, it has been classified as a Variant of Uncertain Significance.

NM_002796.3(PSMB4):c.146C>T (p.Pro49Leu)

Gene: PSMB4 (proteasome 20S subunit beta 4; plus strand). Cytogenetic location: 1q21.3.
Variant type: single nucleotide variant.
Coding change: c.146C>T on transcript NM_002796.3 (MANE Select); coding-DNA position 146, C replaced by T.
Protein change: p.Pro49Leu; replaces proline 49 with leucine.
Molecular consequence: missense variant.
Genome position (GRCh38, 1-based): chr1:151,399,986, C>T. VCF-style: chr1-151399986-C-T. GRCh37 (hg19) VCF-style: chr1-151372462-C-T.
Other names: short protein forms P49L.
Identifiers: ClinVar variation 4734297 (VCV004734297.1).